The following is an entry in ClinVar:

ClinVar aggregate classification (germline): Conflicting classifications of pathogenicity. Review status: criteria provided, conflicting classifications (1 of 4 stars). 3 submissions from 3 submitters: Uncertain significance (2); Likely benign (1). Last evaluated 2024-03-24.

Conditions:
Hereditary cancer-predisposing syndrome. Also called: Neoplastic Syndromes, Hereditary; Hereditary Cancer Syndrome; Tumor predisposition; Hereditary neoplastic syndrome. Identifiers: Orphanet 140162, MedGen C0027672, MeSH D009386, MONDO:0015356.
Hereditary breast ovarian cancer syndrome. Also called: BRCA1- and BRCA2-Associated Hereditary Breast and Ovarian Cancer; Hereditary breast and ovarian cancer; Hereditary breast and/or ovarian cancer syndrome; Hereditary breast and ovarian cancer syndrome; Hereditary breast and ovarian cancer syndrome (HBOC); Breast and ovarian cancer. Identifiers: Orphanet 145, MedGen C0677776, MeSH D061325, MONDO:0003582. Disease mechanism: loss of function.

Submissions (3):

Labcorp Genetics (formerly Invitae), Labcorp
Classification: Uncertain significance for Hereditary breast ovarian cancer syndrome. Last evaluated: 2024-03-24. Review status: criteria provided, single submitter. Criteria: Invitae Variant Classification Sherloc (09022015). Collection method: clinical testing. Allele origin: germline.
Comment: This sequence change replaces valine, which is neutral and non-polar, with alanine, which is neutral and non-polar, at codon 660 of the BRCA1 protein (p.Val660Ala). This variant is not present in population databases (gnomAD no frequency). This variant has not been reported in the literature in individuals affected with BRCA1-related conditions. ClinVar contains an entry for this variant (Variation ID: 573388). Advanced modeling of protein sequence and biophysical properties (such as structural, functional, and spatial information, amino acid conservation, physicochemical variation, residue mobility, and thermodynamic stability) performed at Invitae indicates that this missense variant is not expected to disrupt BRCA1 protein function with a negative predictive value of 95%. In summary, the available evidence is currently insufficient to determine the role of this variant in disease. Therefore, it has been classified as a Variant of Uncertain Significance.

University of Washington Department of Laboratory Medicine, University of Washington
Classification: Likely benign for Hereditary cancer-predisposing syndrome. Last evaluated: 2023-03-23. Review status: criteria provided, single submitter. Criteria: Dines et al. (Genet Med. 2020). Collection method: curation. Allele origin: germline.
Comment: Missense variant in a coldspot region where missense variants are very unlikely to be pathogenic (PMID:31911673).

BRCA1 coldspot (exon 11 using historical exon numbering). Reclassification based on statistical prior probability

Ambry Genetics
Classification: Uncertain significance for Hereditary cancer-predisposing syndrome. Last evaluated: 2019-09-29. Review status: criteria provided, single submitter. Criteria: Ambry Variant Classification Scheme 2023. Collection method: clinical testing. Allele origin: germline.
Comment: The p.V660A variant (also known as c.1979T>C), located in coding exon 9 of the BRCA1 gene, results from a T to C substitution at nucleotide position 1979. The valine at codon 660 is replaced by alanine, an amino acid with similar properties. This amino acid position is not well conserved in available vertebrate species. In addition, the in silico prediction for this alteration is inconclusive. Since supporting evidence is limited at this time, the clinical significance of this alteration remains unclear.

NM_007294.4(BRCA1):c.1979T>C (p.Val660Ala)

Gene: BRCA1 (BRCA1 DNA repair associated; minus strand). Cytogenetic location: 17q21.31.
Variant type: single nucleotide variant.
Coding change: c.1979T>C on transcript NM_007294.4 (MANE Select); coding-DNA position 1979, T replaced by C.
Protein change: p.Val660Ala; replaces valine 660 with alanine.
Molecular consequence: missense variant. On other transcripts: intron variant (137).
Genome position (GRCh38, 1-based): chr17:43,093,552, A>G on the plus strand (T>C on the coding strand, the complement: BRCA1 is on the minus strand). VCF-style: chr17-43093552-A-G. GRCh37 (hg19) VCF-style: chr17-41245569-A-G.
Other names: c.1766T>C, p.Val589Ala (NM_001407896.1, NM_001407894.1, NM_001407897.1 and 9 more transcripts); c.1769T>C, p.Val590Ala (NM_001407886.1, NM_001407887.1, NM_001407889.1 and 13 more transcripts); c.1979T>C, p.Val660Ala (NM_001407581.1, NM_001407582.1, NM_001407583.1 and 30 more transcripts); c.1976T>C, p.Val659Ala (NM_001407587.1, NM_001407590.1, NM_001407591.1 and 22 more transcripts); c.1970T>C, p.Val657Ala (NM_001407646.1, NM_001407647.1); c.1856T>C, p.Val619Ala (NM_001407648.1, NM_001407664.1, NM_001407665.1 and 19 more transcripts); c.1853T>C, p.Val618Ala (NM_001407649.1, NM_001407670.1, NM_001407671.1 and 11 more transcripts); c.1901T>C, p.Val634Ala (NM_001407653.1, NM_001407654.1, NM_001407655.1 and 4 more transcripts); and 40 more; short protein forms V660A, V613A, V492A, V572A, V592A, V593A, V618A, V533A.
Identifiers: ClinVar variation 573388 (VCV000573388.16), dbSNP rs1567797385, ClinGen allele CA10598057.